The following is an entry in ClinVar:

NM_003172.4:c.(323+1_324-1)_(515+1_516-1)del

Gene: SURF1 (SURF1 cytochrome c oxidase assembly factor; minus strand).
Variant type: Deletion.
Other names: c.(323+1_324-1)_(515+1_516-1)del (NM_003172.4).
Identifiers: ClinVar variation 4056339 (VCV004056339.1).

ClinVar aggregate classification (germline): Likely pathogenic (1 of 4 stars; one submission).

Conditions:
Mitochondrial complex IV deficiency, nuclear type 1 (MC4DN1). Also called: COX DEFICIENCY; Mitochondrial complex IV deficiency; Complex 4 mitochondrial respiratory chain deficiency; Deficiency of mitochondrial respiratory chain complex4; Complex IV deficiency. Identifiers: MedGen C5435656, MONDO:0700250, OMIM 220110. Disease mechanism: loss of function.

Submission:

Institute of Human Genetics, University of Leipzig Medical Center
Classification: Likely pathogenic for Mitochondrial complex IV deficiency, nuclear type 1. Last evaluated: 2025-06-02. Review status: criteria provided, single submitter. Criteria: ACMG Guidelines, 2015. Collection method: clinical testing. Allele origin: unknown. Inheritance: Autosomal recessive inheritance. Affected: yes.
Comment: Criteria applied: PVS1_STR, PM2